The following is an entry in ClinVar:

NM_007317.3(KIF22):c.699dup (p.Val234fs)

Gene: KIF22 (kinesin family member 22; plus strand). Cytogenetic location: 16p11.2.
Variant type: Duplication.
Coding change: c.699dup on transcript NM_007317.3 (MANE Select); coding-DNA position 699, one base duplicated (T; older notation c.699dupT).
Protein change: p.Val234fs; shifts the reading frame from valine 234.
Molecular consequence: frameshift variant.
Genome position (GRCh38, 1-based): chr16:29,799,124, T duplicated. VCF-style (leftmost placement, unchanged base first): chr16-29799123-C-CT. GRCh37 (hg19) VCF-style: chr16-29810444-C-CT.
Other names: c.495dup, p.Val166fs (NM_001256269.2, NM_001256270.1); short protein forms V166fs, V234fs.
Identifiers: ClinVar variation 4682046 (VCV004682046.5).

ClinVar aggregate classification (germline): Uncertain significance (1 of 4 stars; one submission).

Submission:

CeGaT Center for Human Genetics Tuebingen
Classification: Uncertain significance. Last evaluated: 2025-12-01. Review status: criteria provided, single submitter. Criteria: CeGaT Center For Human Genetics Tuebingen Variant Classification Criteria Version 2. Collection method: clinical testing. Allele origin: germline. Affected: yes. Observed: 1 variant allele.
Comment: KIF22: PM2